The following is an entry in ClinVar:

NM_014874.4(MFN2):c.1198C>T (p.Arg400Ter)

Gene: MFN2 (mitofusin 2; plus strand). Cytogenetic location: 1p36.22.
Variant type: single nucleotide variant.
Coding change: c.1198C>T on transcript NM_014874.4 (MANE Select); coding-DNA position 1198, C replaced by T.
Protein change: p.Arg400Ter; replaces arginine 400 with a stop codon.
Molecular consequence: nonsense.
Genome position (GRCh38, 1-based): chr1:12,004,029, C>T. VCF-style: chr1-12004029-C-T. GRCh37 (hg19) VCF-style: chr1-12064086-C-T.
Other names: c.1198C>T, p.Arg400Ter (NM_001127660.2); short protein forms R400*.
Identifiers: ClinVar variation 245768 (VCV000245768.11), dbSNP rs879253939, ClinGen allele CA10584104.

ClinVar aggregate classification (germline): Pathogenic. Review status: criteria provided, multiple submitters, no conflicts (2 of 4 stars). 5 submissions from 5 submitters: Pathogenic (4). 1 of the submissions does not count toward it. Last evaluated 2023-06-30.

Conditions:
Neuropathy, hereditary motor and sensory, type 6A (HMSN6A). Also called: NEUROPATHY, HEREDITARY MOTOR AND SENSORY, TYPE VIA; HMSN VIA; CHARCOT-MARIE-TOOTH DISEASE, TYPE 6A; NEUROPATHY, HEREDITARY MOTOR AND SENSORY, TYPE VIA, WITH OPTIC ATROPHY. Identifiers: MedGen CN305336, MONDO:0011002, OMIM 601152.
MFN2-related disorder. Also called: MFN2-related disorders; MFN2-related condition.
Charcot-Marie-Tooth disease type 2. Also called: Charcot-Marie-Tooth type 2. Identifiers: Orphanet 64746, MedGen C0270914, MONDO:0018993.
Charcot-Marie-Tooth disease. Also called: Charcot-Marie-Tooth Neuropathy; Charcot-Marie-Tooth Hereditary Neuropathy. Identifiers: Orphanet 166, MedGen C0007959, MONDO:0015626.

Submissions (5):

Labcorp Genetics (formerly Invitae), Labcorp
Classification: Pathogenic for Charcot-Marie-Tooth disease type 2. Last evaluated: 2023-06-30. Review status: criteria provided, single submitter. Criteria: Invitae Variant Classification Sherloc (09022015). Collection method: clinical testing. Allele origin: germline.
Comment: This premature translational stop signal has been observed in individual(s) with Charcot-Marie-Tooth disease (PMID: 16714318). In at least one individual the data is consistent with being in trans (on the opposite chromosome) from a pathogenic variant. For these reasons, this variant has been classified as Pathogenic. Algorithms developed to predict the effect of sequence changes on RNA splicing suggest that this variant may create or strengthen a splice site. ClinVar contains an entry for this variant (Variation ID: 245768). This variant is not present in population databases (gnomAD no frequency). This sequence change creates a premature translational stop signal (p.Arg400*) in the MFN2 gene. It is expected to result in an absent or disrupted protein product. Loss-of-function variants in MFN2 are known to be pathogenic (PMID: 16714318, 16835246, 21715711, 23781337, 26955893).

Illumina Laboratory Services, Illumina
Classification: Pathogenic for Neuropathy, hereditary motor and sensory, type 6A. Last evaluated: 2023-04-19. Review status: criteria provided, single submitter. Criteria: ICSLVariantClassificationCriteria RUGD 01 April 2020. Collection method: clinical testing. Allele origin: unknown.
Comment: The MFN2 c.1198C>T p.(Arg400Ter) nonsense variant results in the loss of normal protein function through either protein truncation or nonsense-mediated mRNA decay. This variant has been identified with a second MFN2 variant in an individual with phenotype consistent with hereditary motor and sensory neuropathy, but it is not known whether the variants were in cis or trans (PMID: 16714318). This variant is not observed in version 2.1.1 or version 3.1.2 of the Genome Aggregation Database. Based on the available evidence, the c.1198C>T variant is classifies as pathogenic for hereditary motor and sensory neuropathy.

GeneDx
Classification: Pathogenic. Last evaluated: 2022-08-01. Review status: criteria provided, single submitter. Criteria: GeneDx Variant Classification Process June 2021. Collection method: clinical testing. Allele origin: germline. Affected: yes.
Comment: Observed with a second MFN2 variant in multiple individuals with clinical features consistent with MFN2-related neuropathy referred for genetic testing at GeneDx and in the published literature, but it is not known whether the variants occurred on the same (in cis) or on different (in trans) chromosomes (Verhoeven K et al., 2006); Nonsense variant predicted to result in protein truncation or nonsense mediated decay in a gene for which loss of function is a known mechanism of disease; Not observed at significant frequency in large population cohorts (gnomAD); This variant is associated with the following publications: (PMID: 16714318)

Blueprint Genetics
Classification: Pathogenic for MFN2-related disorders. Last evaluated: 2018-09-25. Review status: criteria provided, single submitter. Criteria: ACMG Guidelines, 2015. Collection method: clinical testing. Allele origin: germline. Affected: yes. Observed: 1 variant allele.

Inherited Neuropathy Consortium
Classification: Uncertain significance for Charcot-Marie-Tooth disease. Review status: no assertion criteria provided. Collection method: literature only. Allele origin: germline. Affected: yes. Not counted in ClinVar's aggregate classification.

Literature cited by the submitters: PubMed 16714318 (cited by 3 submitters); PubMed 16835246 (cited by Labcorp Genetics (formerly Invitae), Labcorp); PubMed 21715711 (cited by Labcorp Genetics (formerly Invitae), Labcorp); PubMed 23781337 (cited by Labcorp Genetics (formerly Invitae), Labcorp); PubMed 26955893 (cited by Labcorp Genetics (formerly Invitae), Labcorp).